The following is an entry in ClinVar:

NM_000492.4(CFTR):c.744-6_744-4del

Gene: CFTR (CF transmembrane conductance regulator; plus strand). Cytogenetic location: 7q31.2.
Variant type: Deletion.
Coding change: c.744-6_744-4del on transcript NM_000492.4 (MANE Select); 6 bases into the intron before coding-DNA position 744 through 4 bases into the intron before coding-DNA position 744, 3 bases deleted (TTA; older notation c.744-6_744-4delTTA).
Molecular consequence: intron variant.
Genome position (GRCh38, 1-based): chr7:117,536,542-117,536,544, TTA deleted. VCF-style (leftmost placement, unchanged base first): chr7-117536541-TTTA-T. GRCh37 (hg19) VCF-style: chr7-117176595-TTTA-T.
Identifiers: ClinVar variation 4796527 (VCV004796527.1).
Genomic context (GRCh38, chr7:117,536,541, plus strand): 5'-TCTTAATAGATAATTTGACTTGTTTTTACTATTAGATTGATTGATTGATTGATTGATTGA[TTTA>T]CAGAGATCAGAGAGCTGGGAAGATCAGTGAAAGACTTGTGATTACCTCAGAAATGATTGA-3'

ClinVar aggregate classification (germline): Uncertain significance (1 of 4 stars; one submission).

Conditions:
Bronchiectasis with or without elevated sweat chloride 1 (BESC1). Also called: Cystic Fibrosis-Like Syndrome. Identifiers: Orphanet 60033, MedGen C2749757, MONDO:0008887, OMIM 211400.
Cystic fibrosis (CF). Also called: MUCOVISCIDOSIS. Identifiers: Orphanet 586, MedGen C0010674, MONDO:0009061, OMIM 219700. Disease mechanism: loss of function.
Hereditary pancreatitis (PCTT). Also called: Hereditary chronic pancreatitis; PRSS1-Related Hereditary Pancreatitis. Identifiers: Orphanet 676, MedGen C0238339, MONDO:0008185, OMIM 167800.
Congenital bilateral aplasia of vas deferens from CFTR mutation (CBAVD). Identifiers: Orphanet 48, MedGen C0403814, MONDO:0010178, OMIM 277180. Disease mechanism: loss of function.

Submission:

Juno Genomics, Hangzhou Juno Genomics, Inc
Classification: Uncertain significance for Bronchiectasis with or without elevated sweat chloride 1; Hereditary pancreatitis; Congenital bilateral aplasia of vas deferens from CFTR mutation; Cystic fibrosis. Review status: criteria provided, single submitter. Criteria: ACMG Guidelines, 2015. Collection method: clinical testing. Allele origin: germline. Affected: yes.
Comment: Absent from controls (or at extremely low frequency if recessive) in Genome Aggregation Database, Exome Sequencing Project, 1000 Genomes Project, or Exome Aggregation Consortium.;Multiple lines of computational evidence support a deleterious effect on the gene or gene product (conservation, evolutionary, splicing impact, etc).;Patient's phenotype or family history is highly specific for a disease with a single genetic etiology.